The following is an entry in ClinVar:

NC_000011.9:g.(?_133778964)_(134134854_?)del

Genes: ACAD8 (acyl-CoA dehydrogenase family member 8; plus strand), IGSF9B (immunoglobulin superfamily member 9B; minus strand), JAM3 (junctional adhesion molecule 3; plus strand), VPS26B (VPS26 retromer complex component B; plus strand), NCAPD3 (non-SMC condensin II complex subunit D3; minus strand) and 1 more. Cytogenetic location: 11q25.
Variant type: Deletion.
Identifiers: ClinVar variation 1459900 (VCV001459900.5).

ClinVar aggregate classification (germline): Pathogenic. Review status: criteria provided, single submitter (1 of 4 stars). 2 submissions from 1 submitter: Pathogenic (1). 1 of the submissions does not count toward it. Last evaluated 2022-08-08.

Conditions:
Deficiency of isobutyryl-CoA dehydrogenase. Also called: IBD DEFICIENCY; ACYL-CoA DEHYDROGENASE FAMILY, MEMBER 8, DEFICIENCY OF; ACAD8 DEFICIENCY. Identifiers: Orphanet 79159, MedGen C1969809, MONDO:0012648, OMIM 611283.

Submissions (2):

Labcorp Genetics (formerly Invitae), Labcorp
Classification: Pathogenic. Last evaluated: 2022-08-08. Review status: criteria provided, single submitter. Criteria: Invitae Variant Classification Sherloc (09022015). Collection method: clinical testing. Allele origin: germline.
Comment: A gross deletion of the genomic region encompassing the full coding sequence of the JAM3 gene has been identified. Loss-of-function variants in JAM3 are known to be pathogenic (PMID: 21109224, 23255084). The boundaries of this event are unknown as they extend beyond the assayed region for this gene and therefore may encompass additional genes. This variant has not been reported in the literature in individuals affected with JAM3-related conditions. For these reasons, this variant has been classified as Pathogenic.

Labcorp Genetics (formerly Invitae), Labcorp
Classification: Pathogenic for Deficiency of isobutyryl-CoA dehydrogenase. Last evaluated: 2022-07-19. Review status: flagged submission. Criteria: Invitae Variant Classification Sherloc (09022015). Collection method: clinical testing. Allele origin: germline. Not counted in ClinVar's aggregate classification.
Comment: A gross deletion of the genomic region encompassing the full coding sequence of the ACAD8 gene has been identified. Loss-of-function variants in ACAD8 are known to be pathogenic (PMID: 16857760). The boundaries of this event are unknown as they extend beyond the assayed region for this gene and therefore may encompass additional genes. This variant has not been reported in the literature in individuals affected with ACAD8-related conditions. For these reasons, this variant has been classified as Pathogenic.
ClinVar note: Reason: This record appears to be redundant with a more recent record from the same submitter.
ClinVar note: Notes: SCV002241923 appears to be redundant with SCV002239685.

Literature cited by the submitters: PubMed 21109224; PubMed 23255084; PubMed 16857760.